The following is an entry in ClinVar:

NM_001194998.2(CEP152):c.57del (p.Glu18_Tyr19insTer)

Gene: CEP152 (centrosomal protein 152; minus strand). Cytogenetic location: 15q21.1.
Variant type: Deletion.
Coding change: c.57del on transcript NM_001194998.2 (MANE Select); coding-DNA position 57, one base deleted (T; older notation c.57delT).
Protein change: p.Glu18_Tyr19insTer.
Molecular consequence: nonsense.
Genome position (GRCh38, 1-based): chr15:48,805,593, A deleted on the plus strand (T on the coding strand, the reverse complement: CEP152 is on the minus strand). VCF-style (leftmost placement, unchanged base first): chr15-48805592-CA-C. GRCh37 (hg19) VCF-style: chr15-49097789-CA-C.
Other names: c.57del, p.Glu18_Tyr19insTer (NM_014985.4).
Identifiers: ClinVar variation 3654443 (VCV003654443.2).

ClinVar aggregate classification (germline): Pathogenic (1 of 4 stars; one submission).

Submission:

Labcorp Genetics (formerly Invitae), Labcorp
Classification: Pathogenic. Last evaluated: 2024-05-23. Review status: criteria provided, single submitter. Criteria: Invitae Variant Classification Sherloc (09022015). Collection method: clinical testing. Allele origin: germline.
Comment: This sequence change creates a premature translational stop signal (p.Tyr19*) in the CEP152 gene. It is expected to result in an absent or disrupted protein product. Loss-of-function variants in CEP152 are known to be pathogenic (PMID: 21131973). This variant is not present in population databases (gnomAD no frequency). This variant has not been reported in the literature in individuals affected with CEP152-related conditions. For these reasons, this variant has been classified as Pathogenic.

Literature cited by the submitters: PubMed 21131973.